The following is an entry in ClinVar:

ClinVar aggregate classification (germline): Likely pathogenic (1 of 4 stars; one submission).

Conditions:
Hereditary nonpolyposis colon cancer (HNPCC). Also called: Hereditary nonpolyposis colorectal cancer; Familial nonpolyposis colon cancer; Hereditary Nonpolyposis Colorectal Cancer Syndrome. Identifiers: Orphanet 443909, MedGen C1333990, MONDO:0018630. Disease mechanism: loss of function.

Submission:

Department of Genetic and Genomic Medicine, National Cheng Kung University Hospital
Classification: Likely pathogenic for Hereditary nonpolyposis colorectal cancer. Last evaluated: 2024-09-01. Review status: criteria provided, single submitter. Criteria: ACMG Guidelines, 2015. Collection method: research. Allele origin: germline. Inheritance: Autosomal dominant inheritance. Affected: yes. Observed: 1 heterozygote.
Comment: Variant classification was performed using the VarSome platform. The variant is frameshift insertion. (PVS1) It also meet the criteria of PM2. Assertion score is 9 according to PMID:32720330.

Literature cited by the submitters: PubMed 32720330.

NM_000179.3(MSH6):c.3252_3253insC (p.Thr1085fs)

Gene: MSH6 (mutS homolog 6; plus strand). Cytogenetic location: 2p16.3.
Variant type: Insertion.
Coding change: c.3252_3253insC on transcript NM_000179.3 (MANE Select); coding-DNA positions 3252 to 3253, C inserted.
Protein change: p.Thr1085fs; shifts the reading frame from threonine 1085.
Molecular consequence: frameshift variant. On other transcripts: non-coding transcript variant (5), intron variant (1).
Genome position: GRCh38 VCF-style: chr2-47803499-T-TC. GRCh37 (hg19) VCF-style: chr2-48030638-T-TC.
Other names: c.2955_2956insC, p.Thr986fs (NM_001406819.1, NM_001406820.1, NM_001406821.1 and 10 more transcripts); c.2346_2347insC, p.Thr783fs (NM_001406823.1, NM_001406829.1, NM_001281493.2 and 6 more transcripts); c.3084_3085insC, p.Thr1029fs (NM_001406826.1); c.33_34insC, p.Thr12fs (NM_001406831.1); c.99_100insC, p.Thr34fs (NM_001406832.1); c.1197_1198insC, p.Thr400fs (NM_001407362.1); c.3173-95_3173-94insC (NM_001406798.1); c.3252_3253insC, p.Thr1085fs (NM_001406800.1, NM_001406796.1, NM_001406808.1 and 1 more transcripts); and 7 more; short protein forms T1029fs, T1059fs, T1085fs, T1087fs, T1117fs, T12fs, T34fs, T400fs.
Identifiers: ClinVar variation 4072398 (VCV004072398.1).